The following is an entry in ClinVar:

NM_000388.4(CASR):c.256G>T (p.Ala86Ser)

Gene: CASR (calcium sensing receptor; plus strand). Cytogenetic location: 3q21.1.
Variant type: single nucleotide variant.
Coding change: c.256G>T on transcript NM_000388.4 (MANE Select); coding-DNA position 256, G replaced by T.
Protein change: p.Ala86Ser; replaces alanine 86 with serine.
Molecular consequence: missense variant.
Genome position (GRCh38, 1-based): chr3:122,257,151, G>T. VCF-style: chr3-122257151-G-T. GRCh37 (hg19) VCF-style: chr3-121975998-G-T.
Other names: c.256G>T, p.Ala86Ser (NM_001178065.2); short protein forms A86S.
Identifiers: ClinVar variation 1433214 (VCV001433214.6), dbSNP rs1275539972, ClinGen allele CA354362505.

ClinVar aggregate classification (germline): Uncertain significance (1 of 4 stars; one submission).

Conditions:
Autosomal dominant hypocalcemia 1 (HYPOC1). Also called: HYPOCALCEMIA, FAMILIAL. Identifiers: MedGen C3715128, MONDO:0011013, OMIM 601198.
Familial hypocalciuric hypercalcemia (FHH). Also called: Familial benign hypercalcemia. Identifiers: Orphanet 405, MedGen C1809471, MONDO:0018458.

Allele frequency attached by ClinVar (database versions not stated): gnomAD exomes 0.00001 and below 0.00001.
gnomAD v4.1: 3 of 1,614,170 alleles (0.00019%); highest among the groups gnomAD compares: East Asian, 0.0067%; no homozygotes.

Submission:

Labcorp Genetics (formerly Invitae), Labcorp
Classification: Uncertain significance for Familial hypocalciuric hypercalcemia; Autosomal dominant hypocalcemia 1. Last evaluated: 2021-08-14. Review status: criteria provided, single submitter. Criteria: Invitae Variant Classification Sherloc (09022015). Collection method: clinical testing. Allele origin: germline.
Comment: This sequence change replaces alanine with serine at codon 86 of the CASR protein (p.Ala86Ser). The alanine residue is moderately conserved and there is a moderate physicochemical difference between alanine and serine. This variant is not present in population databases (ExAC no frequency). This variant has not been reported in the literature in individuals affected with CASR-related conditions. Algorithms developed to predict the effect of missense changes on protein structure and function output the following: SIFT: "Tolerated"; PolyPhen-2: "Benign"; Align-GVGD: "Class C0". The serine amino acid residue is found in multiple mammalian species, which suggests that this missense change does not adversely affect protein function. In summary, the available evidence is currently insufficient to determine the role of this variant in disease. Therefore, it has been classified as a Variant of Uncertain Significance.